The following is an entry in ClinVar:

NM_000138.5(FBN1):c.3001dup (p.Thr1001fs)

Gene: FBN1 (fibrillin 1; minus strand). Cytogenetic location: 15q21.1.
Variant type: Duplication.
Coding change: c.3001dup on transcript NM_000138.5 (MANE Select); coding-DNA position 3001, one base duplicated (A; older notation c.3001dupA).
Protein change: p.Thr1001fs; shifts the reading frame from threonine 1001.
Molecular consequence: frameshift variant.
Genome position (GRCh38, 1-based): chr15:48,489,932, T duplicated on the plus strand (A on the coding strand, the reverse complement: FBN1 is on the minus strand). VCF-style (leftmost placement, unchanged base first): chr15-48489931-G-GT. GRCh37 (hg19) VCF-style: chr15-48782128-G-GT.
Other names: c.3001dup, p.Thr1001fs (NM_001406716.1); short protein forms T1001fs.
Identifiers: ClinVar variation 3759651 (VCV003759651.2).

ClinVar aggregate classification (germline): Pathogenic (1 of 4 stars; one submission).

Conditions:
Marfan syndrome (MFS). Also called: MARFAN SYNDROME, TYPE I; Marfan syndrome type 1; Marfan's syndrome; Marfan syndrome, classic; FBN1-Related Marfan Syndrome. Identifiers: Orphanet 284963, Orphanet 558, MedGen C0024796, MONDO:0007947, OMIM 154700.
Familial thoracic aortic aneurysm and aortic dissection (TAAD). Also called: Thoracic aortic aneurysms and dissections. Identifiers: Orphanet 91387, MedGen C4707243, MONDO:0019625.

Submission:

Labcorp Genetics (formerly Invitae), Labcorp
Classification: Pathogenic for Marfan syndrome; Familial thoracic aortic aneurysm and aortic dissection. Last evaluated: 2025-01-30. Review status: criteria provided, single submitter. Criteria: Invitae Variant Classification Sherloc (09022015). Collection method: clinical testing. Allele origin: germline.
Comment: This sequence change creates a premature translational stop signal (p.Thr1001Asnfs*3) in the FBN1 gene. It is expected to result in an absent or disrupted protein product. Loss-of-function variants in FBN1 are known to be pathogenic (PMID: 17657824, 19293843). This variant is not present in population databases (gnomAD no frequency). This premature translational stop signal has been observed in individual(s) with FBN1-related conditions (PMID: 34498425). For these reasons, this variant has been classified as Pathogenic.

Literature cited by the submitters: PubMed 17657824; PubMed 19293843; PubMed 34498425.